The following is an entry in ClinVar:

NM_018941.4(CLN8):c.599T>C (p.Met200Thr)

Gene: CLN8 (CLN8 transmembrane ER and ERGIC protein; plus strand). Cytogenetic location: 8p23.3.
Variant type: single nucleotide variant.
Coding change: c.599T>C on transcript NM_018941.4 (MANE Select); coding-DNA position 599, T replaced by C.
Protein change: p.Met200Thr; replaces methionine 200 with threonine.
Molecular consequence: missense variant.
Genome position (GRCh38, 1-based): chr8:1,780,305, T>C. VCF-style: chr8-1780305-T-C. GRCh37 (hg19) VCF-style: chr8-1728471-T-C.
Other names: p.M200T:ATG>ACG; short protein forms M200T.
Identifiers: ClinVar variation 205192 (VCV000205192.9), dbSNP rs368646951, ClinGen allele CA314008.

ClinVar aggregate classification (germline): Uncertain significance. Review status: criteria provided, multiple submitters, no conflicts (2 of 4 stars). 5 submissions from 5 submitters: Uncertain significance (4). 1 of the submissions does not count toward it. Last evaluated 2025-08-04.

Conditions:
Neuronal ceroid lipofuscinosis 8 (CLN8). Also called: CLN8-Related Neuronal Ceroid-Lipofuscinosis. Identifiers: Orphanet 168491, Orphanet 228354, Orphanet 79264, MedGen C1838570, MONDO:0010830, OMIM 600143.
Inborn genetic diseases. Identifiers: MedGen C0950123, MeSH D030342.
Neuronal ceroid lipofuscinosis. Also called: Neuronal Ceroid Lipofuscinoses. Identifiers: Orphanet 216, Orphanet 79263, MedGen C0027877, MONDO:0016295. Disease mechanism: loss of function.

Allele frequency attached by ClinVar (database versions not stated): gnomAD exomes 0.00001 and 0.00004; ExAC 0.00006; TOPMed 0.00006; ESP Exome Variant Server 0.00008; gnomAD 0.00011; 1000 Genomes Project 30x 0.00031; 1000 Genomes Project 0.00040.
gnomAD v4.1: 32 of 1,614,252 alleles (0.002%); highest among the groups gnomAD compares: African/African-American, 0.035%; no homozygotes.

Submissions (5):

Ambry Genetics
Classification: Uncertain significance for Inborn genetic diseases. Last evaluated: 2025-08-04. Review status: criteria provided, single submitter. Criteria: Ambry Variant Classification Scheme 2023. Collection method: clinical testing. Allele origin: germline.

GeneDx
Classification: Uncertain significance. Last evaluated: 2024-04-28. Review status: criteria provided, single submitter. Criteria: GeneDx Variant Classification Process June 2021. Collection method: clinical testing. Allele origin: germline. Affected: yes.
Comment: In silico analysis indicates that this missense variant does not alter protein structure/function; Has not been previously published as pathogenic or benign to our knowledge

Women's Health and Genetics/Laboratory Corporation of America, LabCorp
Classification: Uncertain significance. Last evaluated: 2023-03-15. Review status: criteria provided, single submitter. Criteria: LabCorp Variant Classification Summary - May 2015. Collection method: clinical testing. Allele origin: germline.

Labcorp Genetics (formerly Invitae), Labcorp
Classification: Uncertain significance for Neuronal ceroid lipofuscinosis. Last evaluated: 2022-05-12. Review status: criteria provided, single submitter. Criteria: Invitae Variant Classification Sherloc (09022015). Collection method: clinical testing. Allele origin: germline.
Comment: This sequence change replaces methionine, which is neutral and non-polar, with threonine, which is neutral and polar, at codon 200 of the CLN8 protein (p.Met200Thr). This variant is present in population databases (rs368646951, gnomAD 0.04%). This variant has not been reported in the literature in individuals affected with CLN8-related conditions. ClinVar contains an entry for this variant (Variation ID: 205192). Advanced modeling of protein sequence and biophysical properties (such as structural, functional, and spatial information, amino acid conservation, physicochemical variation, residue mobility, and thermodynamic stability) performed at Invitae indicates that this missense variant is not expected to disrupt CLN8 protein function. In summary, the available evidence is currently insufficient to determine the role of this variant in disease. Therefore, it has been classified as a Variant of Uncertain Significance.

Natera, Inc.
Classification: Uncertain significance for Neuronal ceroid lipofuscinosis 8. Last evaluated: 2020-09-16. Review status: no assertion criteria provided. Collection method: clinical testing. Allele origin: germline. Not counted in ClinVar's aggregate classification.